The following is an entry in ClinVar:

NM_000038.6(APC):c.7813C>A (p.Gln2605Lys)

Gene: APC (APC regulator of Wnt signaling pathway; plus strand). Cytogenetic location: 5q22.2.
Variant type: single nucleotide variant.
Coding change: c.7813C>A on transcript NM_000038.6 (MANE Select); coding-DNA position 7813, C replaced by A.
Protein change: p.Gln2605Lys; replaces glutamine 2605 with lysine.
Molecular consequence: missense variant.
Genome position (GRCh38, 1-based): chr5:112,843,407, C>A. VCF-style: chr5-112843407-C-A. GRCh37 (hg19) VCF-style: chr5-112179104-C-A.
Other names: c.7813C>A (NM_000038.5); c.7813C>A, p.Gln2605Lys (NM_001127510.3, NM_001354895.2, NM_001407450.1); c.7759C>A, p.Gln2587Lys (NM_001127511.3); c.7867C>A, p.Gln2623Lys (NM_001354896.2, NM_001407447.1, NM_001407448.1 and 1 more transcripts); c.7843C>A, p.Gln2615Lys (NM_001354897.2); c.7738C>A, p.Gln2580Lys (NM_001354898.2); c.7729C>A, p.Gln2577Lys (NM_001354899.2); c.7690C>A, p.Gln2564Lys (NM_001354900.2); and 12 more; short protein forms Q2221K, Q2504K, Q2577K, Q2587K, Q2595K, Q2322K, Q2479K, Q2514K.
Identifiers: ClinVar variation 1999738 (VCV001999738.5), dbSNP rs201625142, ClinGen allele CA16038304.

ClinVar aggregate classification (germline): Uncertain significance. Review status: criteria provided, multiple submitters, no conflicts (2 of 4 stars). 2 submissions from 2 submitters: Uncertain significance (2). Last evaluated 2026-07-27.

Conditions:
Hereditary cancer-predisposing syndrome. Also called: Hereditary neoplastic syndrome; Neoplastic Syndromes, Hereditary; Tumor predisposition; Hereditary Cancer Syndrome. Identifiers: Orphanet 140162, MedGen C0027672, MeSH D009386, MONDO:0015356.
Familial adenomatous polyposis 1 (FAP1). Also called: FAMILIAL ADENOMATOUS POLYPOSIS 1, ATTENUATED; POLYPOSIS, ADENOMATOUS INTESTINAL. Identifiers: MedGen C2713442, MONDO:0021056, OMIM 175100. Disease mechanism: loss of function.

Submissions (2):

Ambry Genetics
Classification: Uncertain significance for Hereditary cancer-predisposing syndrome. Last evaluated: 2026-07-27. Review status: criteria provided, single submitter. Criteria: Ambry Variant Classification Scheme 2023. Collection method: clinical testing. Allele origin: germline.
Comment: The p.Q2605K variant (also known as c.7813C>A), located in coding exon 15 of the APC gene, results from a C to A substitution at nucleotide position 7813. The glutamine at codon 2605 is replaced by lysine, an amino acid with similar properties. This amino acid position is conserved. In addition, in silico predictors for this gene do not accurately predict pathogenicity. Based on the available evidence, the clinical significance of this variant remains unclear.

Labcorp Genetics (formerly Invitae), Labcorp
Classification: Uncertain significance for Familial adenomatous polyposis 1. Last evaluated: 2022-05-27. Review status: criteria provided, single submitter. Criteria: Invitae Variant Classification Sherloc (09022015). Collection method: clinical testing. Allele origin: germline.
Comment: This variant has not been reported in the literature in individuals affected with APC-related conditions. Algorithms developed to predict the effect of missense changes on protein structure and function (SIFT, PolyPhen-2, Align-GVGD) all suggest that this variant is likely to be tolerated. In summary, the available evidence is currently insufficient to determine the role of this variant in disease. Therefore, it has been classified as a Variant of Uncertain Significance. This variant is not present in population databases (gnomAD no frequency). This sequence change replaces glutamine, which is neutral and polar, with lysine, which is basic and polar, at codon 2605 of the APC protein (p.Gln2605Lys).